The following is an entry in ClinVar:

ClinVar aggregate classification (germline): Conflicting classifications of pathogenicity. Review status: criteria provided, conflicting classifications (1 of 4 stars). 4 submissions from 4 submitters: Uncertain significance (1); Likely benign (3). Last evaluated 2026-09-03.

Conditions:
Inborn genetic diseases. Identifiers: MedGen C0950123, MeSH D030342.
SLC52A2-related disorder. Also called: SLC52A2-related condition.
Brown-Vialetto-van Laere syndrome 2. Also called: Riboflavin transporter deficiency type 2; SPINOCEREBELLAR ATAXIA WITH BLINDNESS AND DEAFNESS 2. Identifiers: Orphanet 572543, Orphanet 97229, MedGen C3553538, MONDO:0013867, OMIM 614707.

Allele frequency attached by ClinVar (database versions not stated): ExAC 0.00012; 1000 Genomes Project 30x 0.00016; 1000 Genomes Project 0.00020.

Submissions (4):

PreventionGenetics, part of Exact Sciences
Classification: Likely benign for SLC52A2-related condition. Last evaluated: 2026-09-03. Review status: criteria provided, single submitter. Criteria: ACMG Guidelines, 2015. Collection method: clinical testing. Allele origin: germline.
Comment: This variant is classified as likely benign based on ACMG/AMP sequence variant interpretation guidelines (Richards et al. 2015 PMID: 25741868, with internal and published modifications).

Labcorp Genetics (formerly Invitae), Labcorp
Classification: Likely benign for Brown-Vialetto-van Laere syndrome 2. Last evaluated: 2025-11-27. Review status: criteria provided, single submitter. Criteria: Invitae Variant Classification Sherloc (09022015). Collection method: clinical testing. Allele origin: germline.

Ambry Genetics
Classification: Uncertain significance for Inborn genetic diseases. Last evaluated: 2024-11-10. Review status: criteria provided, single submitter. Criteria: Ambry Variant Classification Scheme 2023. Collection method: clinical testing. Allele origin: germline.

3billion
Classification: Likely benign for Brown-Vialetto-van Laere syndrome 2. Last evaluated: 2024-09-20. Review status: criteria provided, single submitter. Criteria: ACMG Guidelines, 2015. Collection method: clinical testing. Allele origin: germline. Affected: no.
Comment: The homozygous variant was found in patients diagnosed with another variant in a different gene, with no symptoms related to the gene containing the homozygous variant.

NM_001363118.2(SLC52A2):c.610C>A (p.Leu204Met)

Gene: SLC52A2 (solute carrier family 52 member 2; plus strand). Cytogenetic location: 8q24.3.
Variant type: single nucleotide variant.
Coding change: c.610C>A on transcript NM_001363118.2 (MANE Select); coding-DNA position 610, C replaced by A.
Protein change: p.Leu204Met; replaces leucine 204 with methionine.
Molecular consequence: missense variant. On other transcripts: non-coding transcript variant (1), intron variant (1).
Genome position (GRCh38, 1-based): chr8:144,360,102, C>A. VCF-style: chr8-144360102-C-A. GRCh37 (hg19) VCF-style: chr8-145583762-C-A.
Other names: c.610C>A, p.Leu204Met (NM_001253815.2, NM_001253816.2, NM_001363120.2 and 2 more transcripts); c.131-13C>A (NM_001363122.2); c.610C>A (NM_001253816.1, NM_024531.3); short protein forms L204M.
Identifiers: ClinVar variation 1053410 (VCV001053410.7), dbSNP rs369895693, ClinGen allele CA4938239.
Genomic context (GRCh38, chr8:144,360,102, plus strand): 5'-CCGCTCGACTTCCTTGAGCGTTTTCCCGCCAGCACCTTCTTCTGGGCACTGACTGCCCTT[C>A]TGGTCGCTTCAGCTGCTGCCTTCCAGGGTCTTCTGCTGCTGTTGCCGCCACCACCATCTG-3'
Protein context (NP_001350047.1, residues 194-214): STFFWALTAL[Leu204Met]VASAAAFQGL